The following is an entry in ClinVar:

ClinVar aggregate classification (germline): Benign (1 of 4 stars; one submission).

Conditions:
Breast-ovarian cancer, familial, susceptibility to, 4. Identifiers: Orphanet 145, MedGen C3280345, MONDO:0013669, OMIM 614291.

Submission:

Myriad Genetics, Inc.
Classification: Benign for Breast-ovarian cancer, familial, susceptibility to, 4. Last evaluated: 2025-02-25. Review status: criteria provided, single submitter. Criteria: Myriad Autosomal Dominant, Autosomal Recessive and X-Linked Classification Criteria (2023). Collection method: clinical testing. Allele origin: unknown.
Comment: This variant is considered benign. This variant is a silent/synonymous amino acid change and it is not expected to impact splicing.

NM_002878.4(RAD51D):c.986G>A (p.Ter329=)

Genes: RAD51D (RAD51 paralog D; minus strand), RAD51L3-RFFL (RAD51L3-RFFL readthrough; minus strand). Cytogenetic location: 17q12.
Variant type: single nucleotide variant.
Coding change: c.986G>A on transcript NM_002878.4 (MANE Select); coding-DNA position 986, G replaced by A.
Protein change: p.Ter329=.
Molecular consequence: synonymous variant. On other transcripts: non-coding transcript variant (2).
Genome position (GRCh38, 1-based): chr17:35,100,954, C>T on the plus strand (G>A on the coding strand, the complement: RAD51D is on the minus strand). VCF-style: chr17-35100954-C-T. GRCh37 (hg19) VCF-style: chr17-33427973-C-T.
Other names: c.1046G>A, p.Ter349= (NM_001142571.2); c.650G>A, p.Ter217= (NM_133629.3).
Identifiers: ClinVar variation 3903611 (VCV003903611.1).
Genomic context (GRCh38, chr17:35,100,954, plus strand): 5'-GGGAAGAAAAGTTGGGAGGGGTCCCCAATGCTTCCCTGTTTCCCAAACAACAGCACAGGT[C>T]ATGTCTGATCACCCTGTAATGTGGCACTCTGCTCTGAGGTCCCCCAGGTCCCAATGTCTA-3'